The following is an entry in ClinVar:

NM_000080.4(CHRNE):c.1223C>G (p.Ala408Gly)

Gene: CHRNE (cholinergic receptor nicotinic epsilon subunit; minus strand). Cytogenetic location: 17p13.2.
Variant type: single nucleotide variant.
Coding change: c.1223C>G on transcript NM_000080.4 (MANE Select); coding-DNA position 1223, C replaced by G.
Protein change: p.Ala408Gly; replaces alanine 408 with glycine.
Molecular consequence: missense variant.
Genome position (GRCh38, 1-based): chr17:4,899,104, G>C on the plus strand (C>G on the coding strand, the complement: CHRNE is on the minus strand). VCF-style: chr17-4899104-G-C. GRCh37 (hg19) VCF-style: chr17-4802399-G-C.
Other names: c.1223C>G (NM_000080.3); short protein forms A408G.
Identifiers: ClinVar variation 1416199 (VCV001416199.7), dbSNP rs778624148, ClinGen allele CA8313933.

ClinVar aggregate classification (germline): Uncertain significance. Review status: criteria provided, multiple submitters, no conflicts (2 of 4 stars). 2 submissions from 2 submitters: Uncertain significance (2). Last evaluated 2025-10-02.

Conditions:
Congenital myasthenic syndrome 4A. Also called: Myasthenic syndrome, congenital, 4a, slow-channel; MYASTHENIC SYNDROME, CONGENITAL, 4A, SLOW-CHANNEL, AUTOSOMAL RECESSIVE; CONGENITAL MYASTHENIC SYNDROME TYPE Ia1. Identifiers: Orphanet 590, MedGen C4225413, MONDO:0011600, OMIM 605809.
Inborn genetic diseases. Identifiers: MedGen C0950123, MeSH D030342.

Allele frequency attached by ClinVar (database versions not stated): gnomAD exomes below 0.00001 and 0.00001; TOPMed below 0.00001; ExAC 0.00001.
gnomAD v4.1: 18 of 1,608,710 alleles (0.0011%); highest among the groups gnomAD compares: Non-Finnish European, 0.0014%; no homozygotes.

Submissions (2):

Labcorp Genetics (formerly Invitae), Labcorp
Classification: Uncertain significance for Congenital myasthenic syndrome 4A. Last evaluated: 2025-10-02. Review status: criteria provided, single submitter. Criteria: Invitae Variant Classification Sherloc (09022015). Collection method: clinical testing. Allele origin: germline.
Comment: This sequence change replaces alanine, which is neutral and non-polar, with glycine, which is neutral and non-polar, at codon 408 of the CHRNE protein (p.Ala408Gly). This variant is present in population databases (rs778624148, gnomAD 0.001%). This variant has not been reported in the literature in individuals affected with CHRNE-related conditions. ClinVar contains an entry for this variant (Variation ID: 1416199). Invitae Evidence Modeling of protein sequence and biophysical properties (such as structural, functional, and spatial information, amino acid conservation, physicochemical variation, residue mobility, and thermodynamic stability) indicates that this missense variant is not expected to disrupt CHRNE protein function with a negative predictive value of 95%. In summary, the available evidence is currently insufficient to determine the role of this variant in disease. Therefore, it has been classified as a Variant of Uncertain Significance.

Ambry Genetics
Classification: Uncertain significance for Inborn genetic diseases. Last evaluated: 2025-04-21. Review status: criteria provided, single submitter. Criteria: Ambry Variant Classification Scheme 2023. Collection method: clinical testing. Allele origin: germline.